The following is an entry in ClinVar:

ClinVar aggregate classification (germline): Uncertain significance. Review status: criteria provided, multiple submitters, no conflicts (2 of 4 stars). 2 submissions from 2 submitters: Uncertain significance (2). Last evaluated 2025-10-27.

Conditions:
Inborn genetic diseases. Identifiers: MedGen C0950123, MeSH D030342.

Submissions (2):

Ambry Genetics
Classification: Uncertain significance for Inborn genetic diseases. Last evaluated: 2025-10-27. Review status: criteria provided, single submitter. Criteria: Ambry Variant Classification Scheme 2023. Collection method: clinical testing. Allele origin: germline.

Labcorp Genetics (formerly Invitae), Labcorp
Classification: Uncertain significance. Last evaluated: 2022-07-14. Review status: criteria provided, single submitter. Criteria: Invitae Variant Classification Sherloc (09022015). Collection method: clinical testing. Allele origin: germline.
Comment: In summary, the available evidence is currently insufficient to determine the role of this variant in disease. Therefore, it has been classified as a Variant of Uncertain Significance. Algorithms developed to predict the effect of missense changes on protein structure and function are either unavailable or do not agree on the potential impact of this missense change (SIFT: "Deleterious"; PolyPhen-2: "Benign"; Align-GVGD: "Class C0"). This variant has not been reported in the literature in individuals affected with TCIRG1-related conditions. This variant is not present in population databases (gnomAD no frequency). This sequence change replaces valine, which is neutral and non-polar, with leucine, which is neutral and non-polar, at codon 402 of the TCIRG1 protein (p.Val402Leu).

NM_006019.4(TCIRG1):c.1204G>C (p.Val402Leu)

Gene: TCIRG1 (T cell immune regulator 1, ATPase H+ transporting V0 subunit a3; plus strand). Cytogenetic location: 11q13.2.
Variant type: single nucleotide variant.
Coding change: c.1204G>C on transcript NM_006019.4 (MANE Select); coding-DNA position 1204, G replaced by C.
Protein change: p.Val402Leu; replaces valine 402 with leucine.
Molecular consequence: missense variant.
Genome position (GRCh38, 1-based): chr11:68,047,471, G>C. VCF-style: chr11-68047471-G-C. GRCh37 (hg19) VCF-style: chr11-67814938-G-C.
Other names: c.1204G>C (NM_006019.3); c.310G>C, p.Val104Leu (NM_001351059.2); c.556G>C, p.Val186Leu (NM_006053.4); short protein forms V104L, V402L, V186L.
Identifiers: ClinVar variation 2016858 (VCV002016858.5), dbSNP rs2495644226, ClinGen allele CA381582182.
Genomic context (GRCh38, chr11:68,047,471, plus strand): 5'-GCTCACCCACCTCTGCCCACAGCTCCCTACACCATCATCACCTTCCCCTTCCTGTTTGCT[G>C]TGATGTTCGGGGATGTGGGCCACGGGCTGCTCATGTTCCTGTTCGCCCTGGCCATGGTCC-3'
Protein context (NP_006010.2, residues 392-412): TIITFPFLFA[Val402Leu]MFGDVGHGLL